The following is an entry in ClinVar:

ClinVar aggregate classification (germline): Conflicting classifications of pathogenicity. Review status: criteria provided, conflicting classifications (1 of 4 stars). 2 submissions from 2 submitters: Likely pathogenic (1); Uncertain significance (1). Last evaluated 2026-01-26.

Conditions:
Baller-Gerold syndrome (BGS). Also called: CRANIOSYNOSTOSIS WITH RADIAL DEFECTS. Identifiers: Orphanet 1225, MedGen C0265308, MONDO:0009039, OMIM 218600.
Rothmund-Thomson syndrome type 2 (RTS2). Identifiers: Orphanet 221016, MedGen C5203410, MONDO:0016369, OMIM 268400.

Allele frequency attached by ClinVar (database versions not stated): gnomAD 0.00004 and 0.00005.
gnomAD v4.1: 86 of 1,609,106 alleles (0.0053%); highest among the groups gnomAD compares: East Asian, 0.15%; 1 homozygote.

Submissions (2):

Labcorp Genetics (formerly Invitae), Labcorp
Classification: Likely pathogenic for Baller-Gerold syndrome. Last evaluated: 2026-01-26. Review status: criteria provided, single submitter. Criteria: Invitae Variant Classification Sherloc (09022015). Collection method: clinical testing. Allele origin: germline.
Comment: This sequence change replaces arginine, which is basic and polar, with glutamine, which is neutral and polar, at codon 755 of the RECQL4 protein (p.Arg755Gln). This variant is present in population databases (rs747445357, gnomAD 0.1%). This missense change has been observed in individual(s) with RECQL4-related conditions (PMID: 40031098). In at least one individual the data is consistent with being in trans (on the opposite chromosome) from a pathogenic variant. It has also been observed to segregate with disease in related individuals. ClinVar contains an entry for this variant (Variation ID: 569767). Invitae Evidence Modeling of protein sequence and biophysical properties (such as structural, functional, and spatial information, amino acid conservation, physicochemical variation, residue mobility, and thermodynamic stability) indicates that this missense variant is not expected to disrupt RECQL4 protein function with a negative predictive value of 80%. Algorithms developed to predict the effect of sequence changes on RNA splicing suggest that this variant may create or strengthen a splice site. In summary, the currently available evidence indicates that the variant is pathogenic, but additional data are needed to prove that conclusively. Therefore, this variant has been classified as Likely Pathogenic.

St. Jude Molecular Pathology, St. Jude Children's Research Hospital
Classification: Uncertain significance for Rothmund-Thomson syndrome type 2. Last evaluated: 2024-08-30. Review status: criteria provided, single submitter. Criteria: St. Jude Assertion Criteria 2020. Collection method: clinical testing. Allele origin: germline.
Comment: The RECQL4 c.2264G>A (p.Arg755Gln) missense variant has a maximum subpopulation frequency of 0.098% in gnomAD v2.1.1. Algorithms that predict the impact of sequence changes on splicing indicate that this change may strengthen or create a splice donor site, but no aberrant splicing was observed in tumor RNA studies (internal data). To our knowledge, this variant has not been reported in the literature in individuals with RECQL4-associated conditions. In summary, the evidence currently available is insufficient to determine the clinical significance of this variant. It has therefore been classified as of uncertain significance.

Literature cited by the submitters: PubMed 40031098 (cited by Labcorp Genetics (formerly Invitae), Labcorp).

NM_004260.4(RECQL4):c.2264G>A (p.Arg755Gln)

Gene: RECQL4 (RecQ like helicase 4; minus strand). Cytogenetic location: 8q24.3.
Variant type: single nucleotide variant.
Coding change: c.2264G>A on transcript NM_004260.4 (MANE Select); coding-DNA position 2264, G replaced by A.
Protein change: p.Arg755Gln; replaces arginine 755 with glutamine.
Molecular consequence: missense variant.
Genome position (GRCh38, 1-based): chr8:144,513,417, C>T on the plus strand (G>A on the coding strand, the complement: RECQL4 is on the minus strand). VCF-style: chr8-144513417-C-T. GRCh37 (hg19) VCF-style: chr8-145738801-C-T.
Other names: short protein forms R755Q.
Identifiers: ClinVar variation 569767 (VCV000569767.9), dbSNP rs747445357, ClinGen allele CA4948357.